The following is an entry in ClinVar:

ClinVar aggregate classification (germline): Uncertain significance (1 of 4 stars; one submission).

Conditions:
Intellectual disability-microcephaly-strabismus-behavioral abnormalities syndrome. Also called: White-Sutton Syndrome. Identifiers: Orphanet 468678, MedGen C4225351, MONDO:0014606, OMIM 616364.

Submission:

Laboratorio de Genetica e Diagnostico Molecular, Hospital Israelita Albert Einstein
Classification: Uncertain significance for Intellectual disability-microcephaly-strabismus-behavioral abnormalities syndrome. Last evaluated: 2021-11-09. Review status: criteria provided, single submitter. Criteria: ACMG Guidelines, 2015. Collection method: clinical testing. Allele origin: germline. Affected: yes.
Comment: ACMG classification criteria: PM2 moderate, PP2 supporting, BP4 supporting

NM_015100.4(POGZ):c.91G>A (p.Glu31Lys)

Gene: POGZ (pogo transposable element derived with ZNF domain; minus strand). Cytogenetic location: 1q21.3.
Variant type: single nucleotide variant.
Coding change: c.91G>A on transcript NM_015100.4 (MANE Select); coding-DNA position 91, G replaced by A.
Protein change: p.Glu31Lys; replaces glutamic acid 31 with lysine.
Molecular consequence: missense variant.
Genome position (GRCh38, 1-based): chr1:151,442,114, C>T on the plus strand (G>A on the coding strand, the complement: POGZ is on the minus strand). VCF-style: chr1-151442114-C-T. GRCh37 (hg19) VCF-style: chr1-151414590-C-T.
Other names: c.91G>A, p.Glu31Lys (NM_001194937.2, NM_001194938.2, NM_145796.4 and 1 more transcripts); short protein forms E31K.
Identifiers: ClinVar variation 1683673 (VCV001683673.2), dbSNP rs2102370617, ClinGen allele CA341986017.